The following is an entry in ClinVar:

ClinVar aggregate classification (germline): Uncertain significance. Review status: criteria provided, multiple submitters, no conflicts (2 of 4 stars). 2 submissions from 2 submitters: Uncertain significance (2). Last evaluated 2025-08-29.

Conditions:
Inborn genetic diseases. Identifiers: MedGen C0950123, MeSH D030342.
Myopathy, proximal, and ophthalmoplegia (CMYO6). Also called: MYOPATHY WITH CONGENITAL JOINT CONTRACTURES, OPHTHALMOPLEGIA, AND RIMMED VACUOLES; INCLUSION BODY MYOPATHY 3, AUTOSOMAL DOMINANT; CONGENITAL MYOPATHY 6 WITH OPHTHALMOPLEGIA. Identifiers: Orphanet 363677, Orphanet 79091, MedGen C1854106, MONDO:0011577, OMIM 605637.

Allele frequency attached by ClinVar (database versions not stated): TOPMed 0.00001.

Submissions (2):

Ambry Genetics
Classification: Uncertain significance for Inborn genetic diseases. Last evaluated: 2025-08-29. Review status: criteria provided, single submitter. Criteria: Ambry Variant Classification Scheme 2023. Collection method: clinical testing. Allele origin: germline.

Labcorp Genetics (formerly Invitae), Labcorp
Classification: Uncertain significance for Myopathy, proximal, and ophthalmoplegia. Last evaluated: 2023-01-01. Review status: criteria provided, single submitter. Criteria: Invitae Variant Classification Sherloc (09022015). Collection method: clinical testing. Allele origin: germline.
Comment: In summary, the available evidence is currently insufficient to determine the role of this variant in disease. Therefore, it has been classified as a Variant of Uncertain Significance. Advanced modeling of protein sequence and biophysical properties (such as structural, functional, and spatial information, amino acid conservation, physicochemical variation, residue mobility, and thermodynamic stability) performed at Invitae indicates that this missense variant is expected to disrupt MYH2 protein function. ClinVar contains an entry for this variant (Variation ID: 321684). This variant has not been reported in the literature in individuals affected with MYH2-related conditions. This variant is present in population databases (rs754150715, gnomAD 0.003%). This sequence change replaces arginine, which is basic and polar, with threonine, which is neutral and polar, at codon 799 of the MYH2 protein (p.Arg799Thr).

NM_017534.6(MYH2):c.2396G>C (p.Arg799Thr)

Genes: MYHAS (myosin heavy chain gene cluster antisense RNA; plus strand), MYH2 (myosin heavy chain 2; minus strand). Cytogenetic location: 17p13.1.
Variant type: single nucleotide variant.
Coding change: c.2396G>C on transcript NM_017534.6 (MANE Select); coding-DNA position 2396, G replaced by C.
Protein change: p.Arg799Thr; replaces arginine 799 with threonine.
Molecular consequence: missense variant.
Genome position (GRCh38, 1-based): chr17:10,533,330, C>G on the plus strand (G>C on the coding strand, the complement: MYH2 is on the minus strand). VCF-style: chr17-10533330-C-G. GRCh37 (hg19) VCF-style: chr17-10436647-C-G.
Other names: c.2396G>C, p.Arg799Thr (NM_001100112.2); short protein forms R799T.
Identifiers: ClinVar variation 321684 (VCV000321684.12), dbSNP rs754150715, ClinGen allele CA8391137.